The following is an entry in ClinVar:

ClinVar aggregate classification (germline): Likely benign (1 of 4 stars; one submission).

Conditions:
Hereditary breast ovarian cancer syndrome. Also called: Hereditary breast and ovarian cancer; Hereditary breast and ovarian cancer syndrome (HBOC); Breast and ovarian cancer; Hereditary breast and/or ovarian cancer syndrome; BRCA1- and BRCA2-Associated Hereditary Breast and Ovarian Cancer; Hereditary breast and ovarian cancer syndrome. Identifiers: Orphanet 145, MedGen C0677776, MeSH D061325, MONDO:0003582. Disease mechanism: loss of function.

Submissions (2):

Labcorp Genetics (formerly Invitae), Labcorp
Classification: Likely benign for Hereditary breast ovarian cancer syndrome. Last evaluated: 2018-06-25. Review status: criteria provided, single submitter. Criteria: Invitae Variant Classification Sherloc (09022015). Collection method: clinical testing. Allele origin: germline.

Brotman Baty Institute, University of Washington
No classification provided (evidence only). Condition: Breast-ovarian cancer, familial 1. Review status: no classification provided. Collection method: in vitro. Allele origin: not applicable. Functional consequence: functionally_normal. Not counted in ClinVar's aggregate classification.
ClinVar note: "not provided" was previously submitted as the classification for the variant. However, the classification appeared to be based only on an observation of functional data so it was converted to no classification on 2025-07-30.

NM_007294.4(BRCA1):c.72T>C (p.Cys24=)

Gene: BRCA1 (BRCA1 DNA repair associated; minus strand). Cytogenetic location: 17q21.31.
Variant type: single nucleotide variant.
Coding change: c.72T>C on transcript NM_007294.4 (MANE Select); coding-DNA position 72, T replaced by C.
Protein change: p.Cys24=; no amino-acid change (cysteine 24 retained).
Molecular consequence: synonymous variant. On other transcripts: 5 prime UTR variant (136), intron variant (36).
Genome position (GRCh38, 1-based): chr17:43,124,025, A>G on the plus strand (T>C on the coding strand, the complement: BRCA1 is on the minus strand). VCF-style: chr17-43124025-A-G. GRCh37 (hg19) VCF-style: chr17-41276042-A-G.
Other names: c.72T>C, p.Cys24= (NM_001407671.1, NM_001407672.1, NM_001407673.1 and 193 more transcripts); c.-186T>C (NM_001407694.1, NM_001407724.1, NM_001407727.1 and 11 more transcripts); c.-190T>C (NM_001407695.1, NM_001408465.1); c.-331T>C (NM_001407696.1); c.-215T>C (NM_001407697.1, NM_001407846.1, NM_001407920.1); c.-16T>C (NM_001407698.1, NM_001407732.1, NM_001407736.1 and 23 more transcripts); c.-189T>C (NM_001407725.1, NM_001407730.1, NM_001407734.1 and 22 more transcripts); c.-135T>C (NM_001407726.1, NM_001407751.1); and 23 more.
Identifiers: ClinVar variation 868783 (VCV000868783.12), dbSNP rs1597923232, ClinGen allele CA500131346.